The following is an entry in ClinVar:

ClinVar aggregate classification (germline): Uncertain significance (1 of 4 stars; one submission).

gnomAD v4.1: 4 of 1,613,794 alleles (0.00025%); highest among the groups gnomAD compares: Non-Finnish European, 0.00034%; no homozygotes.

Submission:

Labcorp Genetics (formerly Invitae), Labcorp
Classification: Uncertain significance. Last evaluated: 2025-10-15. Review status: criteria provided, single submitter. Criteria: Invitae Variant Classification Sherloc (09022015). Collection method: clinical testing. Allele origin: germline.
Comment: This sequence change replaces asparagine, which is neutral and polar, with lysine, which is basic and polar, at codon 733 of the KMT2A protein (p.Asn733Lys). This variant is present in population databases (rs151193477, gnomAD 0.0009%). This variant has not been reported in the literature in individuals affected with KMT2A-related conditions. Invitae Evidence Modeling of protein sequence and biophysical properties (such as structural, functional, and spatial information, amino acid conservation, physicochemical variation, residue mobility, and thermodynamic stability) indicates that this missense variant is not expected to disrupt KMT2A protein function with a negative predictive value of 95%. In summary, the available evidence is currently insufficient to determine the role of this variant in disease. Therefore, it has been classified as a Variant of Uncertain Significance.

NM_001197104.2(KMT2A):c.2199T>A (p.Asn733Lys)

Gene: KMT2A (lysine methyltransferase 2A; plus strand). Cytogenetic location: 11q23.3.
Variant type: single nucleotide variant.
Coding change: c.2199T>A on transcript NM_001197104.2 (MANE Select); coding-DNA position 2199, T replaced by A.
Protein change: p.Asn733Lys; replaces asparagine 733 with lysine.
Molecular consequence: missense variant.
Genome position (GRCh38, 1-based): chr11:118,473,358, T>A. VCF-style: chr11-118473358-T-A. GRCh37 (hg19) VCF-style: chr11-118344073-T-A.
Other names: c.2298T>A, p.Asn766Lys (NM_001412597.1); c.2199T>A, p.Asn733Lys (NM_005933.4); short protein forms N733K, N766K.
Identifiers: ClinVar variation 4700072 (VCV004700072.1).